The following is an entry in ClinVar:

ClinVar aggregate classification (germline): Conflicting classifications of pathogenicity. Review status: criteria provided, conflicting classifications (1 of 4 stars). 3 submissions from 3 submitters: Uncertain significance (1); Likely benign (1). 1 of the submissions does not count toward it. Last evaluated 2026-02-01.

Conditions:
KMT2D-related disorder. Also called: KMT2D-Related Disorders.
Kabuki syndrome. Also called: Kabuki make-up syndrome; NIIKAWA-KUROKI SYNDROME. Identifiers: Orphanet 2322, MedGen C0796004, MONDO:0016512.

Allele frequency attached by ClinVar (database versions not stated): TOPMed 0.00004; gnomAD 0.00005 and 0.00007; gnomAD exomes 0.00007 and 0.00014; ExAC 0.00040.
gnomAD v4.1: 116 of 1,551,878 alleles (0.0075%); highest among the groups gnomAD compares: South Asian, 0.061%; 1 homozygote.

Submissions (3):

Labcorp Genetics (formerly Invitae), Labcorp
Classification: Uncertain significance for Kabuki syndrome. Last evaluated: 2026-02-01. Review status: criteria provided, single submitter. Criteria: Invitae Variant Classification Sherloc (09022015). Collection method: clinical testing. Allele origin: germline.
Comment: This sequence change replaces glutamine, which is neutral and polar, with leucine, which is neutral and non-polar, at codon 2790 of the KMT2D protein (p.Gln2790Leu). This variant is present in population databases (rs766252129, gnomAD 0.07%), and has an allele count higher than expected for a pathogenic variant. This variant has not been reported in the literature in individuals affected with KMT2D-related conditions. ClinVar contains an entry for this variant (Variation ID: 1382195). An algorithm developed to predict the effect of missense changes on protein structure and function (PolyPhen-2) suggests that this variant is likely to be tolerated. In summary, the available evidence is currently insufficient to determine the role of this variant in disease. Therefore, it has been classified as a Variant of Uncertain Significance.

Blueprint Genetics
Classification: Likely benign. Last evaluated: 2024-09-24. Review status: criteria provided, single submitter. Criteria: ACMG Guidelines, 2015. Collection method: clinical testing. Allele origin: germline.

PreventionGenetics, part of Exact Sciences
Classification: Likely benign for KMT2D-related condition. Last evaluated: 2022-12-29. Review status: no assertion criteria provided. Collection method: clinical testing. Allele origin: germline. Not counted in ClinVar's aggregate classification.
Comment: This variant is classified as likely benign based on ACMG/AMP sequence variant interpretation guidelines (Richards et al. 2015 PMID: 25741868, with internal and published modifications).

NM_003482.4(KMT2D):c.8369A>T (p.Gln2790Leu)

Gene: KMT2D (lysine methyltransferase 2D; minus strand). Cytogenetic location: 12q13.12.
Variant type: single nucleotide variant.
Coding change: c.8369A>T on transcript NM_003482.4 (MANE Select); coding-DNA position 8369, A replaced by T.
Protein change: p.Gln2790Leu; replaces glutamine 2790 with leucine.
Molecular consequence: missense variant.
Genome position (GRCh38, 1-based): chr12:49,038,987, T>A on the plus strand (A>T on the coding strand, the complement: KMT2D is on the minus strand). VCF-style: chr12-49038987-T-A. GRCh37 (hg19) VCF-style: chr12-49432770-T-A.
Other names: c.8369A>T (NM_003482.3); short protein forms Q2790L.
Identifiers: ClinVar variation 1382195 (VCV001382195.9), dbSNP rs766252129, ClinGen allele CA6546839.